The following is an entry in ClinVar:

NM_001286445.3(RIPOR2):c.1014G>A (p.Leu338=)

Gene: RIPOR2 (RHO family interacting cell polarization regulator 2; minus strand). Cytogenetic location: 6p22.3.
Variant type: single nucleotide variant.
Coding change: c.1014G>A on transcript NM_001286445.3 (MANE Select); coding-DNA position 1014, G replaced by A.
Protein change: p.Leu338=; no amino-acid change (leucine 338 retained).
Molecular consequence: synonymous variant.
Genome position (GRCh38, 1-based): chr6:24,849,822, C>T on the plus strand (G>A on the coding strand, the complement: RIPOR2 is on the minus strand). VCF-style: chr6-24849822-C-T. GRCh37 (hg19) VCF-style: chr6-24850050-C-T.
Other names: c.1029G>A, p.Leu343= (NM_001286446.3); c.927G>A, p.Leu309= (NM_001286447.2, NM_001346031.2, NM_001346032.2 and 2 more transcripts).
Identifiers: ClinVar variation 3041315 (VCV003041315.2), dbSNP rs751021704, ClinGen allele CA3659366.
Genomic context (GRCh38, chr6:24,849,822, plus strand): 5'-AGATATTTCTATATGATGAAATAAAGGAAGAGGCACTTACTACCAGGTGATTTCCAGGTT[C>T]AGTTTGATGGTACCAAGGTCATTGATGTCGACAGCCACTACCTGAGGTCGGGCTGCAAAC-3'
Protein context (NP_001273374.1, residues 328-348): VDINDLGTIK[Leu338=]NLEITWYPFD

ClinVar aggregate classification (germline): Likely benign (0 of 4 stars; one submission).

Conditions:
RIPOR2-related disorder. Also called: RIPOR2-related condition.

Allele frequency attached by ClinVar (database versions not stated): gnomAD 0.00001; gnomAD exomes 0.00003; ExAC 0.00007.
gnomAD v4.1: 43 of 1,613,516 alleles (0.0027%); highest among the groups gnomAD compares: South Asian, 0.047%; 1 homozygote.

Submission:

PreventionGenetics, part of Exact Sciences
Classification: Likely benign for RIPOR2-related condition. Last evaluated: 2024-05-21. Review status: no assertion criteria provided. Collection method: clinical testing. Allele origin: germline.
Comment: This variant is classified as likely benign based on ACMG/AMP sequence variant interpretation guidelines (Richards et al. 2015 PMID: 25741868, with internal and published modifications).